The following is an entry in ClinVar:

NM_001447.3(FAT2):c.4130C>T (p.Pro1377Leu)

Genes: FAT2 (FAT atypical cadherin 2; minus strand), SLC36A1 (solute carrier family 36 member 1; plus strand). Cytogenetic location: 5q33.1.
Variant type: single nucleotide variant.
Coding change: c.4130C>T on transcript NM_001447.3 (MANE Select); coding-DNA position 4130, C replaced by T.
Protein change: p.Pro1377Leu; replaces proline 1377 with leucine.
Molecular consequence: missense variant.
Genome position (GRCh38, 1-based): chr5:151,553,203, G>A on the plus strand (C>T on the coding strand, the complement: FAT2 is on the minus strand). VCF-style: chr5-151553203-G-A. GRCh37 (hg19) VCF-style: chr5-150932764-G-A.
Other names: c.4130C>T (NM_001447.2); short protein forms P1377L.
Identifiers: ClinVar variation 2197333 (VCV002197333.19), dbSNP rs564470096, ClinGen allele CA3521638.

ClinVar aggregate classification (germline): Conflicting classifications of pathogenicity. Review status: criteria provided, conflicting classifications (1 of 4 stars). 3 submissions from 3 submitters: Uncertain significance (2); Likely benign (1). Last evaluated 2025-07-31.

Allele frequency attached by ClinVar (database versions not stated): ExAC 0.00007; TOPMed 0.00007; gnomAD 0.00009; gnomAD exomes 0.00017.
gnomAD v4.1: 256 of 1,614,136 alleles (0.016%); highest among the groups gnomAD compares: Non-Finnish European, 0.021%; no homozygotes.

Submissions (3):

Ambry Genetics
Classification: Uncertain significance. Last evaluated: 2025-07-31. Review status: criteria provided, single submitter. Criteria: Ambry Variant Classification Scheme 2023. Collection method: clinical testing. Allele origin: germline.

CeGaT Center for Human Genetics Tuebingen
Classification: Likely benign. Last evaluated: 2024-11-01. Review status: criteria provided, single submitter. Criteria: CeGaT Center For Human Genetics Tuebingen Variant Classification Criteria Version 2. Collection method: clinical testing. Allele origin: germline. Affected: yes. Observed: 1 variant allele.
Comment: FAT2: BP4

Labcorp Genetics (formerly Invitae), Labcorp
Classification: Uncertain significance. Last evaluated: 2022-07-27. Review status: criteria provided, single submitter. Criteria: Invitae Variant Classification Sherloc (09022015). Collection method: clinical testing. Allele origin: germline.
Comment: Algorithms developed to predict the effect of missense changes on protein structure and function are either unavailable or do not agree on the potential impact of this missense change (SIFT: "Deleterious"; PolyPhen-2: "Probably Damaging"; Align-GVGD: "Class C15"). In summary, the available evidence is currently insufficient to determine the role of this variant in disease. Therefore, it has been classified as a Variant of Uncertain Significance. This variant has not been reported in the literature in individuals affected with FAT2-related conditions. This variant is present in population databases (rs564470096, gnomAD 0.02%). This sequence change replaces proline, which is neutral and non-polar, with leucine, which is neutral and non-polar, at codon 1377 of the FAT2 protein (p.Pro1377Leu).